The following is an entry in ClinVar:

NM_001035.3(RYR2):c.11760T>A (p.Leu3920=)

Gene: RYR2 (ryanodine receptor 2; plus strand). Cytogenetic location: 1q43.
Variant type: single nucleotide variant.
Coding change: c.11760T>A on transcript NM_001035.3 (MANE Select); coding-DNA position 11760, T replaced by A.
Protein change: p.Leu3920=; no amino-acid change (leucine 3920 retained).
Molecular consequence: synonymous variant.
Genome position (GRCh38, 1-based): chr1:237,773,633, T>A. VCF-style: chr1-237773633-T-A. GRCh37 (hg19) VCF-style: chr1-237936933-T-A.
Identifiers: ClinVar variation 2036619 (VCV002036619.5), dbSNP rs2527632642, ClinGen allele CA423823334.
Genomic context (GRCh38, chr1:237,773,633, plus strand): 5'-ACAAGGACAACGGAATTTCTCCAAAGCTATCCAAGTGGCAAAACAAGTCTTTAACACTCT[T>A]ACAGAGTATATTCAGGTAAACATTTAAACATGGCTGCTATCTGTAGCACTGAACTCCATA-3'
Protein context (NP_001026.2, residues 3910-3930): IQVAKQVFNT[Leu3920=]TEYIQGPCTG

ClinVar aggregate classification (germline): Likely benign. Review status: criteria provided, multiple submitters, no conflicts (2 of 4 stars). 2 submissions from 2 submitters: Likely benign (2). Last evaluated 2023-05-16.

Conditions:
Catecholaminergic polymorphic ventricular tachycardia 1. Also called: RYR2-Related Catecholaminergic Polymorphic Ventricular Tachycardia; VENTRICULAR TACHYCARDIA, STRESS-INDUCED POLYMORPHIC 1; VENTRICULAR TACHYCARDIA, CATECHOLAMINERGIC POLYMORPHIC, 1, WITH OR WITHOUT ATRIAL DYSFUNCTION AND/OR DILATED CARDIOMYOPATHY. Identifiers: Orphanet 3286, MedGen C1631597, MONDO:0011484, OMIM 604772.
Catecholaminergic polymorphic ventricular tachycardia (CVPT). Also called: Catecholamine-induced polymorphic ventricular tachycardia. Identifiers: Orphanet 3286, MedGen C5574922, MONDO:0017990.

Allele frequency attached by ClinVar (database versions not stated): gnomAD exomes below 0.00001.
gnomAD v4.1: 1 of 1,611,736 alleles (0.000062%); highest among the groups gnomAD compares: East Asian, 0.0022%; no homozygotes.

Submissions (2):

All of Us Research Program, National Institutes of Health
Classification: Likely benign for Catecholaminergic polymorphic ventricular tachycardia. Last evaluated: 2023-05-16. Review status: criteria provided, single submitter. Criteria: ACMG Guidelines, 2015. Collection method: clinical testing. Allele origin: germline. Inheritance: Autosomal dominant inheritance. Observed: 1 variant allele, 1 heterozygote.
Comment: This study involves interpretation of variants in research participants for the purpose of population health screening. Participant phenotype was not available at the time of variant classification. Additional details can be found in publication PMID: 35346344, PMCID: PMC8962531

Labcorp Genetics (formerly Invitae), Labcorp
Classification: Likely benign for Catecholaminergic polymorphic ventricular tachycardia 1. Last evaluated: 2021-12-07. Review status: criteria provided, single submitter. Criteria: Invitae Variant Classification Sherloc (09022015). Collection method: clinical testing. Allele origin: germline.